The following is an entry in ClinVar:

ClinVar aggregate classification (germline): Uncertain significance. Review status: criteria provided, multiple submitters, no conflicts (2 of 4 stars). 2 submissions from 2 submitters: Uncertain significance (2). Last evaluated 2026-01-12.

Allele frequency attached by ClinVar (database versions not stated): gnomAD 0.00001; TOPMed 0.00002; ExAC 0.00004; gnomAD exomes 0.00005.

Submissions (2):

Labcorp Genetics (formerly Invitae), Labcorp
Classification: Uncertain significance. Last evaluated: 2026-01-12. Review status: criteria provided, single submitter. Criteria: Invitae Variant Classification Sherloc (09022015). Collection method: clinical testing. Allele origin: germline.
Comment: This sequence change creates a premature translational stop signal (p.Cys858Serfs*21) in the PLEKHG2 gene. While this is not anticipated to result in nonsense mediated decay, it is expected to disrupt the last 529 amino acid(s) of the PLEKHG2 protein. This variant is present in population databases (rs761837538, gnomAD 0.006%). This variant has not been reported in the literature in individuals affected with PLEKHG2-related conditions. ClinVar contains an entry for this variant (Variation ID: 2069229). Experimental studies and prediction algorithms are not available or were not evaluated, and the functional significance of this variant is currently unknown. In summary, the available evidence is currently insufficient to determine the role of this variant in disease. Therefore, it has been classified as a Variant of Uncertain Significance.

Women's Health and Genetics/Laboratory Corporation of America, LabCorp
Classification: Uncertain significance. Last evaluated: 2023-09-20. Review status: criteria provided, single submitter. Criteria: LabCorp Variant Classification Summary - May 2015. Collection method: clinical testing. Allele origin: germline.
Comment: Variant summary: PLEKHG2 c.2571_2572delCT (p.Cys858SerfsX21) results in a premature termination codon and is predicted to cause a truncation of the encoded protein, which is a commonly known mechanism for disease. Although the variant is not predicted to cause absence of the protein through nonsense mediated decay, the variant is predicted to disrupt the last 529 amino acids in the protein sequence. The variant allele was found at a frequency of 3.3e-05 in 184262 control chromosomes (gnomAD). To our knowledge, no occurrence of c.2571_2572delCT in individuals affected with Leukodystrophy And Acquired Microcephaly With Or Without Dystonia and no experimental evidence demonstrating its impact on protein function have been reported. One ClinVar submitter has assessed the variant since 2014, and classified the variant as uncertain significance. Based on the evidence outlined above, the variant was classified as uncertain significance.

NM_022835.3(PLEKHG2):c.2571_2572del (p.Cys858fs)

Gene: PLEKHG2 (pleckstrin homology and RhoGEF domain containing G2; plus strand). Cytogenetic location: 19q13.2.
Variant type: Deletion.
Coding change: c.2571_2572del on transcript NM_022835.3 (MANE Select); coding-DNA positions 2571 to 2572, 2 bases deleted (CT; older notation c.2571_2572delCT).
Protein change: p.Cys858fs; shifts the reading frame from cysteine 858.
Molecular consequence: frameshift variant. On other transcripts: intron variant (1).
Genome position (GRCh38, 1-based): chr19:39,423,625-39,423,626, CT deleted. VCF-style (leftmost placement, unchanged base first): chr19-39423624-CCT-C. GRCh37 (hg19) VCF-style: chr19-39914264-CCT-C.
Other names: c.2394_2395del, p.Cys799fs (NM_001351693.2); c.1677+1337_1677+1338del (NM_001351694.2); c.2571_2572delCT (NM_022835.2); short protein forms C799fs, C858fs.
Identifiers: ClinVar variation 2069229 (VCV002069229.5), dbSNP rs761837538, ClinGen allele CA9429809.